The following is an entry in ClinVar:

ClinVar aggregate classification (germline): Conflicting classifications of pathogenicity. Review status: criteria provided, conflicting classifications (1 of 4 stars). 18 submissions from 18 submitters: Uncertain significance (6); Benign (2); Likely benign (5). 5 of the submissions do not count toward it. Last evaluated 2026-08-13.

Conditions:
BRCA2-related disorder. Also called: BRCA2-related condition; BRCA2-related disorders. Identifiers: MedGen CN239275.
Hereditary cancer-predisposing syndrome. Also called: Hereditary Cancer Syndrome; Tumor predisposition; Neoplastic Syndromes, Hereditary; Hereditary neoplastic syndrome. Identifiers: Orphanet 140162, MedGen C0027672, MeSH D009386, MONDO:0015356.
Breast neoplasm. Also called: Breast Neoplasms; Neoplasm of the breast; Neoplasm of breast; Breast tumor. Identifiers: MedGen C1458155, MeSH D001943, MONDO:0021100, HP:0100013. Disease mechanism: gain of function.
Hereditary breast ovarian cancer syndrome. Also called: Breast and ovarian cancer; BRCA1- and BRCA2-Associated Hereditary Breast and Ovarian Cancer; Hereditary breast and ovarian cancer; Hereditary breast and ovarian cancer syndrome (HBOC); Hereditary breast and ovarian cancer syndrome; Hereditary breast and/or ovarian cancer syndrome. Identifiers: Orphanet 145, MedGen C0677776, MeSH D061325, MONDO:0003582. Disease mechanism: loss of function.
Breast-ovarian cancer, familial, susceptibility to, 2 (BROVCA2). Also called: BRCA2 Hereditary Breast and Ovarian Cancer. Identifiers: Orphanet 145, MedGen C2675520, MONDO:0012933, OMIM 612555. Disease mechanism: loss of function.

Allele frequency attached by ClinVar (database versions not stated): gnomAD 0.00002; gnomAD exomes 0.00002; ExAC 0.00003; TOPMed 0.00003; ESP Exome Variant Server 0.00015.
gnomAD v4.1: 27 of 1,614,030 alleles (0.0017%); highest among the groups gnomAD compares: African/African-American, 0.0027%; no homozygotes.

Submissions 1 to 9 of 18:

PreventionGenetics, part of Exact Sciences
Classification: Likely benign for BRCA2-related condition. Last evaluated: 2026-08-13. Review status: criteria provided, single submitter. Criteria: ACMG Guidelines, 2015. Collection method: clinical testing. Allele origin: germline.
Comment: This variant is classified as likely benign based on ACMG/AMP sequence variant interpretation guidelines (Richards et al. 2015 PMID: 25741868, with internal and published modifications).

Labcorp Genetics (formerly Invitae), Labcorp
Classification: Likely benign for Hereditary breast ovarian cancer syndrome. Last evaluated: 2025-12-01. Review status: criteria provided, single submitter. Criteria: Invitae Variant Classification Sherloc (09022015). Collection method: clinical testing. Allele origin: germline.

Quest Diagnostics Nichols Institute San Juan Capistrano
Classification: Uncertain significance. Last evaluated: 2025-07-28. Review status: criteria provided, single submitter. Criteria: Quest Diagnostics criteria. Collection method: clinical testing. Allele origin: unknown.
Comment: The BRCA2 c.8111C>T (p.Ser2704Phe) variant has been reported in the published literature in individuals with breast and/or ovarian cancer (PMIDs: 27208206 (2016), 19949876 (2010), 19471317 (2009), 11389159 (2001)). In a large scale breast cancer association study, this variant has been observed in breast cancer cases and reportedly unaffected individuals (PMID: 33471991 (2021), see also LOVD). Experimental studies indicate this variant has neutral effects on BRCA2 DNA repair activity (PMIDs: 35736817 (2022), 29988080 (2018)). Additionally, this variant has been characterized as a benign variant in a multifactorial likelihood study (PMID: 34597585 (2021)). The frequency of this variant in the general population (Genome Aggregation Database) is uninformative in the assessment of its pathogenicity. Analysis of this variant using bioinformatics tools for the prediction of the effect of amino acid changes on protein structure and function yielded predictions that this variant is damaging. Based on the available information, we are unable to determine the clinical significance of this variant.

Color Diagnostics, LLC DBA Color Health
Classification: Uncertain significance for Hereditary cancer-predisposing syndrome. Last evaluated: 2025-06-04. Review status: criteria provided, single submitter. Criteria: ACMG Guidelines, 2015. Collection method: clinical testing. Allele origin: germline.
Comment: This missense variant replaces serine with phenylalanine at codon 2704 of the BRCA2 protein. Computational prediction is inconclusive regarding the impact of this variant on protein structure and function. Functional studies have reported that this variant does not impact BRCA2 function in a homology-directed DNA repair assay and in sensitivity assays to cisplatin, PARP inhibitor and mitomycin C (PMID: 29988080, 30638113, 33609447, 35736817, 39779857). A multifactorial analysis has reported a likelihood ratio for pathogenicity based on personal and family history of 0.494 from log(LR)=-0.3065 for two carriers (PMID: 31853058). This variant has been identified in 4/251328 chromosomes in the general population by the Genome Aggregation Database (gnomAD). Although there is a suspicion that this variant may not be associated with disease, additional clinical studies are necessary to determine the role of this variant in disease conclusively. Therefore, this variant is classified as a Variant of Uncertain Significance.

German Consortium for Hereditary Breast and Ovarian Cancer, University Hospital Cologne
Classification: Benign for Hereditary breast ovarian cancer syndrome. Last evaluated: 2024-06-11. Review status: criteria provided, single submitter. Criteria: ClinGen BRCA2 V1.0.0. Collection method: curation. Allele origin: germline.
Comment: According to the ClinGen ENIGMA BRCA2 v1.0.0 criteria we chose these criteria: BP4 (supporting benign): BayesDel no-AF score ≤ 0.15 AND SpliceAI ≤0.1, BS3 (strong benign): Reported by two calibrated studies to affect protein function similar to benign control variants (PMIDs:29988080, Mesman 2019; 33609447, Richardson) (table 9, BS3 met).

Molecular Pathology, Peter Maccallum Cancer Centre
Classification: Benign for Breast-ovarian cancer, familial, susceptibility to, 2. Last evaluated: 2024-06-06. Review status: criteria provided, single submitter. Criteria: ACMG Guidelines, 2015. Collection method: clinical testing. Allele origin: germline. Inheritance: Autosomal dominant inheritance.

Women's Health and Genetics/Laboratory Corporation of America, LabCorp
Classification: Likely benign. Last evaluated: 2024-03-29. Review status: criteria provided, single submitter. Criteria: LabCorp Variant Classification Summary - May 2015. Collection method: clinical testing. Allele origin: germline.
Comment: Variant summary: BRCA2 c.8111C>T (p.Ser2704Phe) results in a non-conservative amino acid change located in the BRCA2, OB1 domain (IPR015187) of the encoded protein sequence. Three of five in-silico tools predict a damaging effect of the variant on protein function. The variant allele was found at a frequency of 1.6e-05 in 251328 control chromosomes. c.8111C>T has been reported in the literature as not-segregating with disease in families affected with Breast and/or Ovarian Cancer (exampe, Caputo_2021). Multiple publications report experimental evidence evaluating an impact on protein function (example, Mesman_2019, Richardson_2021). These results showed no damaging effect of this variant on homology directed repair (HDR) capacity and ability to complement the loss of cell viability following Cre-mediated deletion of a conditional Brca2 allele. HDR assays qualify as a recognized gold standard on the basis of updated guidance provided by the ClinGen Sequence Variant Interpretation (SVI) working group. This working group has recommended strong functional evidence (ACMG BS3) as sufficient weightage for categorization as likely benign (Tavtigian_2018). The following publications have been ascertained in the context of this evaluation (PMID: 34597585, 29988080, 33609447). ClinVar contains an entry for this variant (Variation ID: 52507). Based on the evidence outlined above, the variant was classified as likely benign.

All of Us Research Program, National Institutes of Health
Classification: Uncertain significance for Breast-ovarian cancer, familial, susceptibility to, 2. Last evaluated: 2023-08-15. Review status: criteria provided, single submitter. Criteria: ACMG Guidelines, 2015. Collection method: clinical testing. Allele origin: germline. Inheritance: Autosomal dominant inheritance. Observed: 3 variant alleles, 3 heterozygotes.
Comment: This missense variant replaces serine with phenylalanine at codon 2704 of the BRCA2 protein. Computational prediction is inconclusive regarding the impact of this variant on protein structure and function (internally defined REVEL score threshold 0.5 < inconclusive < 0.7, PMID: 27666373). Functional studies have reported that this variant does not impact BRCA2 function in murine cell models in homology-mediated repair and cisplatin sensitivity assays (PMID: 29884841, 29988080, 35736817) and in human cells in mitomycin C sensitivity and RAD51 foci formation assays (PMID: 30638113). This variant has been identified in 4/251328 chromosomes in the general population by the Genome Aggregation Database (gnomAD). The available evidence is insufficient to determine the role of this variant in disease conclusively. Therefore, this variant is classified as a Variant of Uncertain Significance.

This study involves interpretation of variants in research participants for the purpose of population health screening. Participant phenotype was not available at the time of variant classification. Additional details can be found in publication PMID: 35346344, PMCID: PMC8962531

Blueprint Genetics
Classification: Uncertain significance. Last evaluated: 2022-06-01. Review status: criteria provided, single submitter. Criteria: ACMG Guidelines, 2015. Collection method: clinical testing. Allele origin: germline.

NM_000059.4(BRCA2):c.8111C>T (p.Ser2704Phe)

Gene: BRCA2 (BRCA2 DNA repair associated; plus strand). Cytogenetic location: 13q13.1.
Variant type: single nucleotide variant.
Coding change: c.8111C>T on transcript NM_000059.4 (MANE Select); coding-DNA position 8111, C replaced by T.
Protein change: p.Ser2704Phe; replaces serine 2704 with phenylalanine.
Molecular consequence: missense variant.
Genome position (GRCh38, 1-based): chr13:32,363,313, C>T. VCF-style: chr13-32363313-C-T. GRCh37 (hg19) VCF-style: chr13-32937450-C-T.
Other names: short protein forms S2704F.
Identifiers: ClinVar variation 52507 (VCV000052507.74), dbSNP rs80359054, ClinGen allele CA025457.
Genomic context (GRCh38, chr13:32,363,313, plus strand): 5'-AAACACTTGTTCTCTGTGTTTCTGACATAATTTCATTGAGCGCAAATATATCTGAAACTT[C>T]TAGCAATAAAACTAGTAGTGCAGATACCCAAAAAGTGGCCATTATTGAACTTACAGATGG-3'
Protein context (NP_000050.3, residues 2694-2714): ISLSANISET[Ser2704Phe]SNKTSSADTQ